The following is an entry in ClinVar:

NM_018180.3(DHX32):c.1448_1449del (p.Glu483fs)

Genes: BCCIP (BRCA2 and CDKN1A interacting protein; plus strand), DHX32 (DEAH-box helicase 32 (putative); minus strand). Cytogenetic location: 10q26.2.
Variant type: Microsatellite.
Coding change: c.1448_1449del on transcript NM_018180.3 (MANE Select); coding-DNA positions 1448 to 1449, 2 bases deleted (AG; older notation c.1448_1449delAG).
Protein change: p.Glu483fs; shifts the reading frame from glutamic acid 483.
Molecular consequence: frameshift variant. On other transcripts: 3 prime UTR variant (1), intron variant (1).
Genome position (GRCh38, 1-based): chr10:125,841,837-125,841,838, CT deleted on the plus strand (AG on the coding strand, the reverse complement: DHX32 is on the minus strand); deleting any 2 consecutive bases within chr10:125,841,837-125,841,840 gives the same sequence; the c. name uses the placement nearest the transcript's 3' end. VCF-style (leftmost placement, unchanged base first): chr10-125841836-ACT-A. GRCh37 (hg19) VCF-style: chr10-127530405-ACT-A.
Other names: c.*478CT[1] (NM_078469.3); c.850+509_850+510del (NM_016567.4); short protein forms E483fs.
Identifiers: ClinVar variation 3618374 (VCV003618374.2).
Genomic context (GRCh38, chr10:125,841,836, plus strand): 5'-CTACACAGTCAAATTCACAGGACGCTAAGATAGACTTCGAGAGTTGTGGATCAAGAGGAA[ACT>A]CTGACATGATGATTCCAAATTCAGAAAGATTTCCATCATTATCCAGTGCTGCCAGATAAT-3'

ClinVar aggregate classification (germline): Uncertain significance (1 of 4 stars; one submission).

Submission:

Labcorp Genetics (formerly Invitae), Labcorp
Classification: Uncertain significance. Last evaluated: 2024-10-16. Review status: criteria provided, single submitter. Criteria: Invitae Variant Classification Sherloc (09022015). Collection method: clinical testing. Allele origin: germline.
Comment: This sequence change creates a premature translational stop signal (p.Glu483Valfs*4) in the DHX32 gene. It is expected to result in an absent or disrupted protein product. However, the current clinical and genetic evidence is not sufficient to establish whether loss-of-function variants in DHX32 cause disease. This variant is present in population databases (rs762757159, gnomAD 0.01%). This variant has not been reported in the literature in individuals affected with DHX32-related conditions. In summary, the available evidence is currently insufficient to determine the role of this variant in disease. Therefore, it has been classified as a Variant of Uncertain Significance.